The following is an entry in ClinVar:

ClinVar aggregate classification (germline): Uncertain significance (1 of 4 stars; one submission).

Allele frequency attached by ClinVar (database versions not stated): gnomAD exomes 0.00001.
gnomAD v4.1: 16 of 1,614,090 alleles (0.00099%); highest among the groups gnomAD compares: Non-Finnish European, 0.0014%; no homozygotes.

Submission:

Labcorp Genetics (formerly Invitae), Labcorp
Classification: Uncertain significance. Last evaluated: 2023-03-02. Review status: criteria provided, single submitter. Criteria: Invitae Variant Classification Sherloc (09022015). Collection method: clinical testing. Allele origin: germline.
Comment: This sequence change replaces proline, which is neutral and non-polar, with leucine, which is neutral and non-polar, at codon 28 of the PDE6G protein (p.Pro28Leu). This variant is not present in population databases (gnomAD no frequency). This variant has not been reported in the literature in individuals affected with PDE6G-related conditions. An algorithm developed to predict the effect of missense changes on protein structure and function (PolyPhen-2) suggests that this variant is likely to be tolerated. ClinVar contains an entry for this variant (Variation ID: 1927947). In summary, the available evidence is currently insufficient to determine the role of this variant in disease. Therefore, it has been classified as a Variant of Uncertain Significance.

NM_002602.4(PDE6G):c.83C>T (p.Pro28Leu)

Gene: PDE6G (phosphodiesterase 6G; minus strand). Cytogenetic location: 17q25.3.
Variant type: single nucleotide variant.
Coding change: c.83C>T on transcript NM_002602.4 (MANE Select); coding-DNA position 83, C replaced by T.
Protein change: p.Pro28Leu; replaces proline 28 with leucine.
Molecular consequence: missense variant.
Genome position (GRCh38, 1-based): chr17:81,653,223, G>A on the plus strand (C>T on the coding strand, the complement: PDE6G is on the minus strand). VCF-style: chr17-81653223-G-A. GRCh37 (hg19) VCF-style: chr17-79620253-G-A.
Other names: c.83C>T, p.Pro28Leu (NM_001365724.1, NM_001365725.1); short protein forms P28L.
Identifiers: ClinVar variation 1927947 (VCV001927947.5), dbSNP rs2144401499, ClinGen allele CA401474478.